The following is an entry in ClinVar:

ClinVar aggregate classification (germline): Uncertain significance. Review status: criteria provided, multiple submitters, no conflicts (2 of 4 stars). 2 submissions from 2 submitters: Uncertain significance (2). Last evaluated 2026-02-17.

Conditions:
Monocytopenia with susceptibility to infections. Also called: IMMUNODEFICIENCY 21; GATA2 DEFICIENCY; COMBINED IMMUNODEFICIENCY WITH SUSCEPTIBILITY TO MYCOBACTERIAL, VIRAL, AND FUNGAL INFECTIONS; MONOCYTOPENIA AND MYCOBACTERIAL INFECTION SYNDROME; MONOCYTOPENIA WITH SUSCEPTIBILITY TO MYCOBACTERIAL, FUNGAL, AND PAPILLOMAVIRUS INFECTIONS AND MYELODYSPLASIA; Dendritic cell, monocyte, B lymphocyte, and natural killer lymphocyte deficiency. Identifiers: Orphanet 228423, MedGen C3280030, MONDO:0013607, OMIM 614172.
Deafness-lymphedema-leukemia syndrome. Also called: Lymphedema, primary, with myelodysplasia; Emberger syndrome. Identifiers: Orphanet 3226, MedGen C3279664, MONDO:0013540, OMIM 614038.
Inborn genetic diseases. Identifiers: MedGen C0950123, MeSH D030342.

Submissions (2):

Ambry Genetics
Classification: Uncertain significance for Inborn genetic diseases. Last evaluated: 2026-02-17. Review status: criteria provided, single submitter. Criteria: Ambry Variant Classification Scheme 2023. Collection method: clinical testing. Allele origin: germline.
Comment: The p.T477S variant (also known as c.1430C>G), located in coding exon 5 of the GATA2 gene, results from a C to G substitution at nucleotide position 1430. The threonine at codon 477 is replaced by serine, an amino acid with similar properties. This amino acid position is conserved. In addition, the in silico prediction for this alteration is inconclusive. Based on the available evidence, the clinical significance of this variant remains unclear.

Labcorp Genetics (formerly Invitae), Labcorp
Classification: Uncertain significance for Monocytopenia with susceptibility to infections; Deafness-lymphedema-leukemia syndrome. Last evaluated: 2025-12-05. Review status: criteria provided, single submitter. Criteria: Invitae Variant Classification Sherloc (09022015). Collection method: clinical testing. Allele origin: germline.
Comment: This sequence change replaces threonine, which is neutral and polar, with serine, which is neutral and polar, at codon 477 of the GATA2 protein (p.Thr477Ser). This variant is not present in population databases (gnomAD no frequency). This variant has not been reported in the literature in individuals affected with GATA2-related conditions. Invitae Evidence Modeling of protein sequence and biophysical properties (such as structural, functional, and spatial information, amino acid conservation, physicochemical variation, residue mobility, and thermodynamic stability) has been performed for this missense variant. However, the output from this modeling did not meet the statistical confidence thresholds required to predict the impact of this variant on GATA2 protein function. Algorithms developed to predict the effect of sequence changes on RNA splicing suggest that this variant may create or strengthen a splice site. In summary, the available evidence is currently insufficient to determine the role of this variant in disease. Therefore, it has been classified as a Variant of Uncertain Significance.

NM_032638.5(GATA2):c.1430C>G (p.Thr477Ser)

Gene: GATA2 (GATA binding protein 2; minus strand). Cytogenetic location: 3q21.3.
Variant type: single nucleotide variant.
Coding change: c.1430C>G on transcript NM_032638.5 (MANE Select); coding-DNA position 1430, C replaced by G.
Protein change: p.Thr477Ser; replaces threonine 477 with serine.
Molecular consequence: missense variant.
Genome position (GRCh38, 1-based): chr3:128,481,032, G>C on the plus strand (C>G on the coding strand, the complement: GATA2 is on the minus strand). VCF-style: chr3-128481032-G-C. GRCh37 (hg19) VCF-style: chr3-128199875-G-C.
Other names: c.1430C>G, p.Thr477Ser (NM_001145661.2); c.1388C>G, p.Thr463Ser (NM_001145662.1); short protein forms T477S, T463S.
Identifiers: ClinVar variation 4789519 (VCV004789519.2).